The following is an entry in ClinVar:

ClinVar aggregate classification (germline): Benign. Review status: criteria provided, multiple submitters, no conflicts (2 of 4 stars). 4 submissions from 4 submitters: Benign (4). Last evaluated 2026-02-03.

Conditions:
Retinal dystrophy. Also called: Inherited retinal dystrophy. Identifiers: Orphanet 71862, MedGen C0854723, MeSH D058499, MONDO:0019118, HP:0000556.

Allele frequency attached by ClinVar (database versions not stated): 1000 Genomes Project 0.00300; 1000 Genomes Project 30x 0.00312; TOPMed 0.00707; gnomAD 0.00724 and 0.00760; ExAC 0.00822; ESP Exome Variant Server 0.00853.
gnomAD v4.1: 16,759 of 1,612,950 alleles (1%); highest among the groups gnomAD compares: Non-Finnish European, 1.3%; 118 homozygotes.

Submissions (4):

Labcorp Genetics (formerly Invitae), Labcorp
Classification: Benign. Last evaluated: 2026-02-03. Review status: criteria provided, single submitter. Criteria: Invitae Variant Classification Sherloc (09022015). Collection method: clinical testing. Allele origin: germline.

CeGaT Center for Human Genetics Tuebingen
Classification: Benign. Last evaluated: 2026-02-01. Review status: criteria provided, single submitter. Criteria: CeGaT Center For Human Genetics Tuebingen Variant Classification Criteria Version 2. Collection method: clinical testing. Allele origin: germline. Affected: yes. Observed: 4 variant alleles.
Comment: SLC7A14: BS1, BS2

Dept Of Ophthalmology, Nagoya University
Classification: Benign for Retinal dystrophy. Last evaluated: 2023-10-01. Review status: criteria provided, single submitter. Criteria: Submitter's publication. Collection method: research. Allele origin: germline. Affected: yes.

Breakthrough Genomics
Classification: Benign. Review status: criteria provided, single submitter. Criteria: ACMG Guidelines, 2015. Collection method: not provided. Allele origin: germline. Inheritance: Autosomal recessive inheritance. Affected: yes.

NM_020949.3(SLC7A14):c.1129G>A (p.Val377Ile)

Genes: SLC7A14 (solute carrier family 7 member 14; minus strand), SLC7A14-AS1 (SLC7A14 antisense RNA 1; plus strand). Cytogenetic location: 3q26.2.
Variant type: single nucleotide variant.
Coding change: c.1129G>A on transcript NM_020949.3 (MANE Select); coding-DNA position 1129, G replaced by A.
Protein change: p.Val377Ile; replaces valine 377 with isoleucine.
Molecular consequence: missense variant.
Genome position (GRCh38, 1-based): chr3:170,481,153, C>T on the plus strand (G>A on the coding strand, the complement: SLC7A14 is on the minus strand). VCF-style: chr3-170481153-C-T. GRCh37 (hg19) VCF-style: chr3-170198942-C-T.
Other names: short protein forms V377I.
Identifiers: ClinVar variation 781843 (VCV000781843.34), dbSNP rs114883808, ClinGen allele CA2701690.